The following is an entry in ClinVar:

ClinVar aggregate classification (germline): Uncertain significance (1 of 4 stars; one submission).

Conditions:
Cardiomyopathy (CMYO). Also called: Cardiomyopathies. Identifiers: Orphanet 167848, MedGen C0878544, MONDO:0004994, HP:0001638. Inheritance: Various modes of inheritance.

Submission:

Color Diagnostics, LLC DBA Color Health
Classification: Uncertain significance for Cardiomyopathy. Last evaluated: 2023-12-05. Review status: criteria provided, single submitter. Criteria: ACMG Guidelines, 2015. Collection method: clinical testing. Allele origin: germline.
Comment: This missense variant replaces leucine with valine at codon 552 of the MYH7 protein. Computational prediction suggests that this variant may have deleterious impact on protein structure and function (internally defined REVEL score threshold >= 0.7, PMID: 27666373). To our knowledge, functional studies have not been reported for this variant. This variant has not been reported in individuals affected with MYH7-related disorders in the literature. This variant has not been identified in the general population by the Genome Aggregation Database (gnomAD). The available evidence is insufficient to determine the role of this variant in disease conclusively. Therefore, this variant is classified as a Variant of Uncertain Significance.

NM_000257.4(MYH7):c.1654C>G (p.Leu552Val)

Gene: MYH7 (myosin heavy chain 7; minus strand). Cytogenetic location: 14q11.2.
Variant type: single nucleotide variant.
Coding change: c.1654C>G on transcript NM_000257.4 (MANE Select); coding-DNA position 1654, C replaced by G.
Protein change: p.Leu552Val; replaces leucine 552 with valine.
Molecular consequence: missense variant.
Genome position (GRCh38, 1-based): chr14:23,427,819, G>C on the plus strand (C>G on the coding strand, the complement: MYH7 is on the minus strand). VCF-style: chr14-23427819-G-C. GRCh37 (hg19) VCF-style: chr14-23897028-G-C.
Other names: short protein forms L552V.
Identifiers: ClinVar variation 926138 (VCV000926138.4), dbSNP rs1892755053, ClinGen allele CA389050105.